The following is an entry in ClinVar:

ClinVar aggregate classification (germline): Uncertain significance (1 of 4 stars; one submission).

Conditions:
Cardiovascular phenotype. Identifiers: MedGen CN230736.

Submission:

Ambry Genetics
Classification: Uncertain significance for Cardiovascular phenotype. Last evaluated: 2024-08-31. Review status: criteria provided, single submitter. Criteria: Ambry Variant Classification Scheme 2023. Collection method: clinical testing. Allele origin: germline.
Comment: The p.F279C variant (also known as c.836T>G), located in coding exon 7 of the MAP2K2 gene, results from a T to G substitution at nucleotide position 836. The phenylalanine at codon 279 is replaced by cysteine, an amino acid with highly dissimilar properties. This amino acid position is conserved. In addition, this alteration is predicted to be deleterious by in silico analysis. Based on the available evidence, the clinical significance of this variant remains unclear.

NM_030662.4(MAP2K2):c.836T>G (p.Phe279Cys)

Gene: MAP2K2 (mitogen-activated protein kinase kinase 2; minus strand). Cytogenetic location: 19p13.3.
Variant type: single nucleotide variant.
Coding change: c.836T>G on transcript NM_030662.4 (MANE Select); coding-DNA position 836, T replaced by G.
Protein change: p.Phe279Cys; replaces phenylalanine 279 with cysteine.
Molecular consequence: missense variant.
Genome position (GRCh38, 1-based): chr19:4,099,284, A>C on the plus strand (T>G on the coding strand, the complement: MAP2K2 is on the minus strand). VCF-style: chr19-4099284-A-C. GRCh37 (hg19) VCF-style: chr19-4099282-A-C.
Other names: short protein forms F279C.
Identifiers: ClinVar variation 3542703 (VCV003542703.1).
Genomic context (GRCh38, chr19:4,099,284, plus strand): 5'-CTCGGCCGAGGCGAGATGCTGTGAGGCTCTCCTTCTTCCCCGTCGACCACGGGCCGGCCA[A>C]AGATGGCCTCCAGCTCTTTGGCGTCGGGCGGGGGGATGGGGTACCTTCCGACGGCCAGCT-3'
Protein context (NP_109587.1, residues 269-289): PPDAKELEAI[Phe279Cys]GRPVVDGEEG